The following is an entry in ClinVar:

ClinVar aggregate classification (germline): Uncertain significance. Review status: criteria provided, multiple submitters, no conflicts (2 of 4 stars). 2 submissions from 2 submitters: Uncertain significance (2). Last evaluated 2025-07-29.

Conditions:
Cardiovascular phenotype. Identifiers: MedGen CN230736.
Hypertrophic cardiomyopathy. Also called: HYPERTROPHIC MYOCARDIOPATHY. Identifiers: Orphanet 217569, MedGen C0007194, MeSH D002312, MONDO:0005045, HP:0001639.

Allele frequency attached by ClinVar (database versions not stated): gnomAD exomes 0.00007 and 0.00013; ExAC 0.00008; gnomAD 0.00011; TOPMed 0.00015; ESP Exome Variant Server 0.00017.
gnomAD v4.1: 212 of 1,613,612 alleles (0.013%); highest among the groups gnomAD compares: Middle Eastern, 0.017%; 1 homozygote.

Submissions (2):

Labcorp Genetics (formerly Invitae), Labcorp
Classification: Uncertain significance for Hypertrophic cardiomyopathy. Last evaluated: 2025-07-29. Review status: criteria provided, single submitter. Criteria: Invitae Variant Classification Sherloc (09022015). Collection method: clinical testing. Allele origin: germline.
Comment: This sequence change replaces valine, which is neutral and non-polar, with methionine, which is neutral and non-polar, at codon 1075 of the MYOM1 protein (p.Val1075Met). This variant is present in population databases (rs371066861, gnomAD 0.01%). This variant has not been reported in the literature in individuals affected with MYOM1-related conditions. ClinVar contains an entry for this variant (Variation ID: 410253). Invitae Evidence Modeling of protein sequence and biophysical properties (such as structural, functional, and spatial information, amino acid conservation, physicochemical variation, residue mobility, and thermodynamic stability) indicates that this missense variant is not expected to disrupt MYOM1 protein function with a negative predictive value of 80%. In summary, the available evidence is currently insufficient to determine the role of this variant in disease. Therefore, it has been classified as a Variant of Uncertain Significance.

Ambry Genetics
Classification: Uncertain significance for Cardiovascular phenotype. Last evaluated: 2013-09-24. Review status: criteria provided, single submitter. Criteria: Ambry Autosomal Dominant and X-Linked criteria (10/2015). Collection method: clinical testing. Allele origin: germline. Observed: 1 variant allele.
Comment: The p.V1075M variant (also known as c.3223G>A) is located in coding exon 20 of the MYOM1 gene. This alteration results from a G to A substitution at nucleotide position 3223. The valine at codon 1075 is replaced by methionine, an amino acid with some similar properties.Based on data from the NHLBI Exome Sequencing Project (ESP), the A-allele has an overall frequency of approximately 0.02% (2/12050), having not been observed in 3794 African American alleles, and in 0.02% (2/8256) of European American alleles studied.This amino acid position is well conserved on sequence alignment.This variant is predicted to be possibly damaging by PolyPhen and deleterious by SIFT in silico analyses. Since supporting evidence is limited at this time, the clinical significance of p.V1075M remains unclear.

NM_003803.4(MYOM1):c.3223G>A (p.Val1075Met)

Gene: MYOM1 (myomesin 1; minus strand). Cytogenetic location: 18p11.31.
Variant type: single nucleotide variant.
Coding change: c.3223G>A on transcript NM_003803.4 (MANE Select); coding-DNA position 3223, G replaced by A.
Protein change: p.Val1075Met; replaces valine 1075 with methionine.
Molecular consequence: missense variant.
Genome position (GRCh38, 1-based): chr18:3,116,411, C>T on the plus strand (G>A on the coding strand, the complement: MYOM1 is on the minus strand). VCF-style: chr18-3116411-C-T. GRCh37 (hg19) VCF-style: chr18-3116409-C-T.
Other names: c.2935G>A, p.Val979Met (NM_019856.2); short protein forms V1075M, V979M.
Identifiers: ClinVar variation 410253 (VCV000410253.10), dbSNP rs371066861, ClinGen allele CA8874378.